The following is an entry in ClinVar:

ClinVar aggregate classification (germline): Likely pathogenic (1 of 4 stars; one submission).

Submission:

Labcorp Genetics (formerly Invitae), Labcorp
Classification: Likely pathogenic. Last evaluated: 2022-08-19. Review status: criteria provided, single submitter. Criteria: Invitae Variant Classification Sherloc (09022015). Collection method: clinical testing. Allele origin: germline.
Comment: This variant results in the deletion of part of exon 30 (c.3521-19_3567del) of the SI gene. It is expected to disrupt RNA splicing. Variants that disrupt the donor or acceptor splice site typically lead to a loss of protein function (PMID: 16199547), and loss-of-function variants in SI are known to be pathogenic (PMID: 16329100, 23103650, 25452324). This variant is not present in population databases (gnomAD no frequency). This variant has not been reported in the literature in individuals affected with SI-related conditions. ClinVar contains an entry for this variant (Variation ID: 1524752). Algorithms developed to predict the effect of sequence changes on RNA splicing suggest that this variant may disrupt the consensus splice site. In summary, the currently available evidence indicates that the variant is pathogenic, but additional data are needed to prove that conclusively. Therefore, this variant has been classified as Likely Pathogenic.

Literature cited by the submitters: PubMed 16199547; PubMed 16329100; PubMed 23103650; PubMed 25452324.

NM_001041.4(SI):c.3521-19_3567del

Gene: SI (sucrase-isomaltase; minus strand). Cytogenetic location: 3q26.1.
Variant type: Deletion.
Coding change: c.3521-19_3567del on transcript NM_001041.4 (MANE Select); 19 bases into the intron before coding-DNA position 3521 through coding-DNA position 3567, 66 bases deleted.
Molecular consequence: splice acceptor variant.
Genome position (GRCh38, 1-based): chr3:165,017,827-165,017,892, 66 bases deleted. GRCh37 (hg19): chr3:164,735,618-164,735,683.
Identifiers: ClinVar variation 1524752 (VCV001524752.6), dbSNP rs2108175642, ClinGen allele CA2573136708.